The following is an entry in ClinVar:

NM_001127898.4(CLCN5):c.584T>G (p.Leu195Arg)

Gene: CLCN5 (Cl-/H+ antiporter 5; plus strand). Cytogenetic location: Xp11.23.
Variant type: single nucleotide variant.
Coding change: c.584T>G on transcript NM_001127898.4 (MANE Select); coding-DNA position 584, T replaced by G.
Protein change: p.Leu195Arg; replaces leucine 195 with arginine.
Molecular consequence: missense variant.
Genome position (GRCh38, 1-based): chrX:50,075,963, T>G. VCF-style: chrX-50075963-T-G. GRCh37 (hg19) VCF-style: chrX-49840618-T-G.
Other names: c.374T>G, p.Leu125Arg (NM_000084.5); c.584T>G, p.Leu195Arg (NM_001127899.4); c.434T>G, p.Leu145Arg (NM_001282163.2); short protein forms L125R, L145R, L195R.
Identifiers: ClinVar variation 2359200 (VCV002359200.5), dbSNP rs782508428, ClinGen allele CA10413746.

ClinVar aggregate classification (germline): Uncertain significance. Review status: criteria provided, multiple submitters, no conflicts (2 of 4 stars). 3 submissions from 3 submitters: Uncertain significance (3). Last evaluated 2024-06-25.

Conditions:
Inborn genetic diseases. Identifiers: MedGen C0950123, MeSH D030342.

Allele frequency attached by ClinVar (database versions not stated): ExAC 0.00001; TOPMed 0.00003; gnomAD 0.00004; gnomAD exomes 0.00005.
gnomAD v4.1: 64 of 1,208,426 alleles (0.0053%); highest among the groups gnomAD compares: Non-Finnish European, 0.0062%; no homozygotes.

Submissions (3):

Labcorp Genetics (formerly Invitae), Labcorp
Classification: Uncertain significance. Last evaluated: 2024-06-25. Review status: criteria provided, single submitter. Criteria: Invitae Variant Classification Sherloc (09022015). Collection method: clinical testing. Allele origin: germline.
Comment: This sequence change replaces leucine, which is neutral and non-polar, with arginine, which is basic and polar, at codon 125 of the CLCN5 protein (p.Leu125Arg). This variant is present in population databases (rs782508428, gnomAD 0.006%). This variant has not been reported in the literature in individuals affected with CLCN5-related conditions. ClinVar contains an entry for this variant (Variation ID: 2359200). An algorithm developed to predict the effect of missense changes on protein structure and function (PolyPhen-2) suggests that this variant is likely to be disruptive. In summary, the available evidence is currently insufficient to determine the role of this variant in disease. Therefore, it has been classified as a Variant of Uncertain Significance.

Blueprint Genetics
Classification: Uncertain significance. Last evaluated: 2022-11-03. Review status: criteria provided, single submitter. Criteria: ACMG Guidelines, 2015. Collection method: clinical testing. Allele origin: germline.

Ambry Genetics
Classification: Uncertain significance for Inborn genetic diseases. Last evaluated: 2022-10-04. Review status: criteria provided, single submitter. Criteria: Ambry Variant Classification Scheme 2023. Collection method: clinical testing. Allele origin: germline.